The following is an entry in ClinVar:

ClinVar aggregate classification (germline): Conflicting classifications of pathogenicity. Review status: criteria provided, conflicting classifications (1 of 4 stars). 7 submissions from 7 submitters: Uncertain significance (6); Likely benign (1). Last evaluated 2025-01-13.

Conditions:
Congenital defect of folate absorption. Also called: Hereditary Folate Malabsorption. Identifiers: Orphanet 90045, MedGen C0342705, MONDO:0009238, OMIM 229050.
Inborn genetic diseases. Identifiers: MedGen C0950123, MeSH D030342.

Allele frequency attached by ClinVar (database versions not stated): gnomAD exomes 0.00012 and 0.00017; 1000 Genomes Project 30x 0.00016; 1000 Genomes Project 0.00020; ExAC 0.00027; ESP Exome Variant Server 0.00041; gnomAD 0.00052 and 0.00054; TOPMed 0.00054.
gnomAD v4.1: 280 of 1,588,506 alleles (0.018%); highest among the groups gnomAD compares: African/African-American, 0.16%; 1 homozygote.

Submissions (7):

Labcorp Genetics (formerly Invitae), Labcorp
Classification: Uncertain significance. Last evaluated: 2025-01-13. Review status: criteria provided, single submitter. Criteria: Invitae Variant Classification Sherloc (09022015). Collection method: clinical testing. Allele origin: germline.
Comment: This sequence change replaces phenylalanine, which is neutral and non-polar, with leucine, which is neutral and non-polar, at codon 99 of the SLC46A1 protein (p.Phe99Leu). This variant is present in population databases (rs201862124, gnomAD 0.08%). This variant has not been reported in the literature in individuals affected with SLC46A1-related conditions. ClinVar contains an entry for this variant (Variation ID: 891004). Invitae Evidence Modeling of protein sequence and biophysical properties (such as structural, functional, and spatial information, amino acid conservation, physicochemical variation, residue mobility, and thermodynamic stability) indicates that this missense variant is not expected to disrupt SLC46A1 protein function with a negative predictive value of 80%. In summary, the available evidence is currently insufficient to determine the role of this variant in disease. Therefore, it has been classified as a Variant of Uncertain Significance.

Blueprint Genetics
Classification: Likely benign. Last evaluated: 2024-09-20. Review status: criteria provided, single submitter. Criteria: ACMG Guidelines, 2015. Collection method: clinical testing. Allele origin: germline.

Clinical Genomic Analysis (GENYSIS) Core, University of North Carolina at Chapel Hill
Classification: Uncertain significance for Congenital defect of folate absorption. Last evaluated: 2024-01-22. Review status: criteria provided, single submitter. Criteria: ACMG Guidelines, 2015. Collection method: research. Allele origin: maternal. Observed: 1 compound heterozygote. Study: UNC Genetic Determinants of Neurological and Developmental Disorders (GDNDD) Study.
Comment: SLC46A1 c.295T>C, p.(Phe99Leu), is a missense variant that changes a single amino acid from a phenylalanine to a leucine. This variant is present at a maximum population allele frequency of 0.16% (119/74446 alleles, 1 homozygote) in the gnomADv4.0 population database and reported as a variant of uncertain significance in ClinVar. Multiple in silico models predict that the c.295T>C variant has no impact on the gene or protein product. Given the available evidence, this variant is classified as a variant of uncertain significance.

Ambry Genetics
Classification: Uncertain significance for Inborn genetic diseases. Last evaluated: 2022-10-18. Review status: criteria provided, single submitter. Criteria: Ambry Variant Classification Scheme 2023. Collection method: clinical testing. Allele origin: germline.

Fulgent Genetics
Classification: Uncertain significance for Congenital defect of folate absorption. Last evaluated: 2021-08-26. Review status: criteria provided, single submitter. Criteria: ACMG Guidelines, 2015. Collection method: clinical testing. Allele origin: unknown.

Illumina Laboratory Services, Illumina
Classification: Uncertain significance for Congenital defect of folate absorption. Last evaluated: 2018-01-13. Review status: criteria provided, single submitter. Criteria: ICSL Variant Classification Criteria 13 December 2019. Collection method: clinical testing. Allele origin: germline.

Breakthrough Genomics
Classification: Uncertain significance. Review status: criteria provided, single submitter. Criteria: ACMG Guidelines, 2015. Collection method: not provided. Allele origin: germline. Inheritance: Autosomal recessive inheritance. Affected: yes.

NM_080669.6(SLC46A1):c.295T>C (p.Phe99Leu)

Gene: SLC46A1 (solute carrier family 46 member 1; minus strand). Cytogenetic location: 17q11.2.
Variant type: single nucleotide variant.
Coding change: c.295T>C on transcript NM_080669.6 (MANE Select); coding-DNA position 295, T replaced by C.
Protein change: p.Phe99Leu; replaces phenylalanine 99 with leucine.
Molecular consequence: missense variant.
Genome position (GRCh38, 1-based): chr17:28,405,402, A>G on the plus strand (T>C on the coding strand, the complement: SLC46A1 is on the minus strand). VCF-style: chr17-28405402-A-G. GRCh37 (hg19) VCF-style: chr17-26732420-A-G.
Other names: c.295T>C, p.Phe99Leu (NM_001242366.3); short protein forms F99L.
Identifiers: ClinVar variation 891004 (VCV000891004.13), dbSNP rs201862124, ClinGen allele CA8458354.